The following is an entry in ClinVar:

ClinVar aggregate classification (germline): Pathogenic (1 of 4 stars; one submission).

Submission:

Quest Diagnostics Nichols Institute San Juan Capistrano
Classification: Pathogenic. Last evaluated: 2025-01-09. Review status: criteria provided, single submitter. Criteria: ACMG/ClinGen CNV Guidelines, 2019. Collection method: clinical testing. Allele origin: unknown.
Comment: This 16q24.1q24.2 deletion involves at least 19 protein-coding genes, including FOXF1 (OMIM 601089) and FOXC2 (OMIM 602402). Haploinsufficiency of FOXF1 is associated with autosomal dominant congenital alveolar capillary dysplasia with misalignment of pulmonary veins (ACDMPV; OMIM 265380, CCID:007157) (Szafranski 2016). In addition, haploinsufficiency of FOXC2 is associated with autosomal dominant lymphedema-distichiasis syndrome (LPHDST; OMIM 153400, CCID:007154, Mansour 2019). Overlapping heterozygous deletions within the current interval, have been reported in individuals with variable clinical presentations (Bzdega 2023, Handrigan 2013, Michelson 2022, Prothro 2016, Puisney-Dakhli 2021, Seeley 2014, Szafranski 2016, Wang 2022, Yu 2010). There are no similar copy number losses of this region in the general populations of the Database of Genomic Variants. Therefore, this copy number variant (CNV) is classified as pathogenic. References: Bzdega et al., Genes (Basel). 2023 Feb 23;14(3):563. PMID: 36980834 Handrigan et al., J Med Genet. 2013 Mar;50(3):163-73. PMID: 23335808 Mansour et al., GeneReviews. [2019 Apr 4]. PMID: 20301630 Michelson et al., Am J Med Genet A. 2022 Jul;188(7):1990-1996. PMID: 35312147 Prothro et al., J Pediatr. 2016 Mar:170:317-8. PMID: 26703872 Puisney-Dakhli et al., Am J Med Genet A. 2021 May;185(5):1494-1497. PMID: 33522073 Seeley et al., Am J Med Genet A. 2014 Aug;164A(8):2062-8. PMID: 24719385 Szafranski et al., Hum Genet. 2016 May;135(5):569-586. PMID: 27071622 Wang et al., Mol Cytogenet. 2022 Nov 3;15(1):48. PMID: 36329475 Yu et al., Am J Med Genet A. 2010 May;152A(5):1257-62. PMID: 20425831

GRCh37/hg19 16q24.1-24.2(chr16:85281141-88194304)x1

Genes: BANP (BTG3 associated nuclear protein; plus strand), C16orf95 (chromosome 16 open reading frame 95; minus strand), CA5A (carbonic anhydrase 5A; minus strand), CLMB (calcimembrin; minus strand), COX4I1 (cytochrome c oxidase subunit 4I1; plus strand) and 17 more. Cytogenetic location: 16q24.1-24.2.
Variant type: copy number loss.
Change: copy number 1 (one copy instead of two) of chr16:85,281,141-88,194,304 (2.91 Mb, GRCh37 coordinates, 1-based), cytogenetic band 16q24.1-24.2.
Identifiers: ClinVar variation 4682889 (VCV004682889.1).